The following is an entry in ClinVar:

NM_000702.4(ATP1A2):c.1541G>T (p.Arg514Leu)

Gene: ATP1A2 (ATPase Na+/K+ transporting subunit alpha 2; plus strand). Cytogenetic location: 1q23.2.
Variant type: single nucleotide variant.
Coding change: c.1541G>T on transcript NM_000702.4 (MANE Select); coding-DNA position 1541, G replaced by T.
Protein change: p.Arg514Leu; replaces arginine 514 with leucine.
Molecular consequence: missense variant.
Genome position (GRCh38, 1-based): chr1:160,130,181, G>T. VCF-style: chr1-160130181-G-T. GRCh37 (hg19) VCF-style: chr1-160099971-G-T.
Other names: short protein forms R514L.
Identifiers: ClinVar variation 1502529 (VCV001502529.8), dbSNP rs748654627, ClinGen allele CA1194517.

ClinVar aggregate classification (germline): Uncertain significance. Review status: criteria provided, multiple submitters, no conflicts (2 of 4 stars). 2 submissions from 2 submitters: Uncertain significance (2). Last evaluated 2022-08-09.

Conditions:
Inborn genetic diseases. Identifiers: MedGen C0950123, MeSH D030342.
Familial hemiplegic migraine. Identifiers: MedGen C0338484, MONDO:0000700.

gnomAD v4.1: 8 of 1,614,032 alleles (0.0005%); highest among the groups gnomAD compares: Admixed American, 0.0017%; no homozygotes.

Submissions (2):

Labcorp Genetics (formerly Invitae), Labcorp
Classification: Uncertain significance for Familial hemiplegic migraine. Last evaluated: 2022-08-09. Review status: criteria provided, single submitter. Criteria: Invitae Variant Classification Sherloc (09022015). Collection method: clinical testing. Allele origin: germline.
Comment: In summary, the available evidence is currently insufficient to determine the role of this variant in disease. Therefore, it has been classified as a Variant of Uncertain Significance. Advanced modeling of protein sequence and biophysical properties (such as structural, functional, and spatial information, amino acid conservation, physicochemical variation, residue mobility, and thermodynamic stability) performed at Invitae indicates that this missense variant is not expected to disrupt ATP1A2 protein function. ClinVar contains an entry for this variant (Variation ID: 1502529). This variant has not been reported in the literature in individuals affected with ATP1A2-related conditions. This variant is present in population databases (rs748654627, gnomAD 0.002%). This sequence change replaces arginine, which is basic and polar, with leucine, which is neutral and non-polar, at codon 514 of the ATP1A2 protein (p.Arg514Leu).

Ambry Genetics
Classification: Uncertain significance for Inborn genetic diseases. Last evaluated: 2018-03-13. Review status: criteria provided, single submitter. Criteria: Ambry Variant Classification Scheme 2023. Collection method: clinical testing. Allele origin: germline.
Comment: The p.R514L variant (also known as c.1541G>T), located in coding exon 12 of the ATP1A2 gene, results from a G to T substitution at nucleotide position 1541. The arginine at codon 514 is replaced by leucine, an amino acid with dissimilar properties. This amino acid position is highly conserved in available vertebrate species. In addition, this alteration is predicted to be deleterious by in silico analysis. Since supporting evidence is limited at this time, the clinical significance of this alteration remains unclear.